The following is an entry in ClinVar:

NM_015015.3(KDM4B):c.92A>G (p.Tyr31Cys)

Gene: KDM4B (lysine demethylase 4B; plus strand). Cytogenetic location: 19p13.3.
Variant type: single nucleotide variant.
Coding change: c.92A>G on transcript NM_015015.3 (MANE Select); coding-DNA position 92, A replaced by G.
Protein change: p.Tyr31Cys; replaces tyrosine 31 with cysteine.
Molecular consequence: missense variant.
Genome position (GRCh38, 1-based): chr19:5,032,982, A>G. VCF-style: chr19-5032982-A-G. GRCh37 (hg19) VCF-style: chr19-5032993-A-G.
Other names: c.92A>G, p.Tyr31Cys (NM_001370093.1, NM_001370094.1, NM_001411148.1); short protein forms Y31C.
Identifiers: ClinVar variation 2579403 (VCV002579403.2), dbSNP rs2512189106, ClinGen allele CA403494342.

ClinVar aggregate classification (germline): Uncertain significance (1 of 4 stars; one submission).

Submission:

GeneDx
Classification: Uncertain significance. Last evaluated: 2026-09-07. Review status: criteria provided, single submitter. Criteria: GeneDx Variant Classification Process June 2021. Collection method: clinical testing. Allele origin: germline.
Comment: Not observed at significant frequency in large population cohorts (gnomAD); In silico analysis supports that this missense variant has a deleterious effect on protein structure/function; Has not been previously published as pathogenic or benign to our knowledge